The following is an entry in ClinVar:

ClinVar aggregate classification (germline): Uncertain significance (1 of 4 stars; one submission).

Conditions:
Malignant hyperthermia, susceptibility to, 1 (MHS1). Also called: Anesthesia related hyperthermia; Malignant hyperpyrexia; Fulminating hyperpyrexia; Pharmacogenic myopathy; RYR1-Related Malignant Hyperthermia Susceptibility; Malignant hyperthermia suceptibility 1. Identifiers: Orphanet 423, MedGen C2930980, MONDO:0007783, OMIM 145600.

Submission:

All of Us Research Program, National Institutes of Health
Classification: Uncertain significance for Malignant hyperthermia, susceptibility to, 1. Last evaluated: 2023-06-08. Review status: criteria provided, single submitter. Criteria: ACMG Guidelines, 2015. Collection method: clinical testing. Allele origin: germline. Inheritance: Autosomal dominant inheritance. Observed: 1 variant allele, 1 heterozygote.
Comment: This variant causes an A to G nucleotide substitution at the -2 position of intron 41 of the RYR1 gene. To our knowledge, functional studies have not been reported for this variant. This variant has not been reported in individuals affected with RYR1-related disorders in the literature. This variant has not been identified in the general population by the Genome Aggregation Database (gnomAD). Loss of RYR1 function due to haploinsufficiency is not an established disease mechanism for autosomal dominant malignant hyperthermia, although it is associated with other phenotype(s). Due to insufficient evidence, this variant is classified as a Variant of Uncertain Significance for autosomal dominant malignant hyperthermia.

This study involves interpretation of variants in research participants for the purpose of population health screening. Participant phenotype was not available at the time of variant classification. Additional details can be found in publication PMID: 35346344, PMCID: PMC8962531

NM_000540.3(RYR1):c.6797-2A>G

Gene: RYR1 (ryanodine receptor 1; plus strand). Cytogenetic location: 19q13.2.
Variant type: single nucleotide variant.
Coding change: c.6797-2A>G on transcript NM_000540.3 (MANE Select); the canonical splice acceptor site of the intron before coding-DNA position 6797, A replaced by G.
Molecular consequence: splice acceptor variant.
Genome position (GRCh38, 1-based): chr19:38,496,858, A>G. VCF-style: chr19-38496858-A-G. GRCh37 (hg19) VCF-style: chr19-38987498-A-G.
Other names: c.6797-2A>G (NM_001042723.2).
Identifiers: ClinVar variation 3071598 (VCV003071598.1), dbSNP rs2514293969, ClinGen allele CA405666448.